The following is an entry in ClinVar:

ClinVar aggregate classification (germline): Uncertain significance. Review status: criteria provided, multiple submitters, no conflicts (2 of 4 stars). 3 submissions from 3 submitters: Uncertain significance (3). Last evaluated 2023-08-04.

Conditions:
Hereditary cancer-predisposing syndrome. Also called: Neoplastic Syndromes, Hereditary; Tumor predisposition; Hereditary neoplastic syndrome; Hereditary Cancer Syndrome. Identifiers: Orphanet 140162, MedGen C0027672, MeSH D009386, MONDO:0015356.
POLD1-related polyposis and colorectal cancer syndrome (CRCS10). Also called: COLORECTAL CANCER, SUSCEPTIBILITY TO, ON CHROMOSOME 19q; Colorectal cancer 10; Colorectal cancer, susceptibility to, 10. Identifiers: Orphanet 220460, MedGen C2675481, MONDO:0012953, OMIM 612591.

Submissions (3):

Baylor Genetics
Classification: Uncertain significance for POLD1-related polyposis and colorectal cancer syndrome. Last evaluated: 2023-08-04. Review status: criteria provided, single submitter. Criteria: ACMG Guidelines, 2015. Collection method: clinical testing. Allele origin: unknown.

Labcorp Genetics (formerly Invitae), Labcorp
Classification: Uncertain significance for POLD1-related polyposis and colorectal cancer syndrome. Last evaluated: 2023-04-26. Review status: criteria provided, single submitter. Criteria: Invitae Variant Classification Sherloc (09022015). Collection method: clinical testing. Allele origin: germline.
Comment: In summary, the available evidence is currently insufficient to determine the role of this variant in disease. Therefore, it has been classified as a Variant of Uncertain Significance. Experimental studies and prediction algorithms are not available or were not evaluated, and the functional significance of this variant is currently unknown. This variant has not been reported in the literature in individuals affected with POLD1-related conditions. This variant is not present in population databases (gnomAD no frequency). This variant, c.1481_1483del, results in the deletion of 1 amino acid(s) of the POLD1 protein (p.Ile494del), but otherwise preserves the integrity of the reading frame.

Ambry Genetics
Classification: Uncertain significance for Hereditary cancer-predisposing syndrome. Last evaluated: 2019-10-21. Review status: criteria provided, single submitter. Criteria: Ambry Variant Classification Scheme 2023. Collection method: clinical testing. Allele origin: germline.
Comment: The c.1481_1483delTCA variant (also known as p.I494del) is located in coding exon 11 of the POLD1 gene. This variant results from an in-frame TCA deletion at nucleotide positions 1481 to 1483. This results in the in-frame deletion of an isoleucine at codon 494. This amino acid position is highly conserved in available vertebrate species. In addition, this alteration is predicted to be deleterious by in silico analysis (Choi Y et al. PLoS ONE. 2012; 7(10):e46688). Since supporting evidence is limited at this time, the clinical significance of this alteration remains unclear.

NM_002691.4(POLD1):c.1478TCA[1] (p.Ile494del)

Gene: POLD1 (DNA polymerase delta 1, catalytic subunit; plus strand). Cytogenetic location: 19q13.33.
Variant type: Microsatellite.
Coding change: c.1478TCA[1] on transcript NM_002691.4 (MANE Select); one copy of the 3-base unit TCA starting at c.1478; the reference has two copies in a row; one copy, 3 bases deleted; also written c.1481_1483del.
Protein change: p.Ile494del; deletes isoleucine 494.
Molecular consequence: inframe deletion. On other transcripts: non-coding transcript variant (1).
Genome position (GRCh38, 1-based): chr19:50,406,504-50,406,506, TCA deleted; deleting any 3 consecutive bases within chr19:50,406,499-50,406,506 gives the same sequence; the position shown is the placement nearest the transcript's 3' end. VCF-style (leftmost placement, unchanged base first): chr19-50406498-GCAT-G. GRCh37 (hg19) VCF-style: chr19-50909755-GCAT-G.
Other names: c.1478TCA[1], p.Ile494del (NM_001256849.1, NM_001308632.1); c.1481_1483del (NM_002691.4); short protein forms I494del.
Identifiers: ClinVar variation 1773567 (VCV001773567.6), dbSNP rs2513995400, ClinGen allele CA2580614953.